The following is an entry in ClinVar:

ClinVar aggregate classification (germline): Uncertain significance (1 of 4 stars; one submission).

Submission:

CeGaT Center for Human Genetics Tuebingen
Classification: Uncertain significance. Last evaluated: 2024-03-01. Review status: criteria provided, single submitter. Criteria: CeGaT Center For Human Genetics Tuebingen Variant Classification Criteria Version 2. Collection method: clinical testing. Allele origin: germline. Affected: yes. Observed: 1 variant allele.
Comment: AP4E1: PM2, BP4

NM_007347.5(AP4E1):c.2346+8A>C

Gene: AP4E1 (adaptor related protein complex 4 subunit epsilon 1; plus strand). Cytogenetic location: 15q21.2.
Variant type: single nucleotide variant.
Coding change: c.2346+8A>C on transcript NM_007347.5 (MANE Select); 8 bases into the intron after coding-DNA position 2346, A replaced by C.
Molecular consequence: intron variant.
Genome position (GRCh38, 1-based): chr15:50,993,633, A>C. VCF-style: chr15-50993633-A-C. GRCh37 (hg19) VCF-style: chr15-51285830-A-C.
Other names: c.2121+8A>C (NM_001252127.2).
Identifiers: ClinVar variation 3067410 (VCV003067410.21), dbSNP rs368382609, ClinGen allele CA2825002279.